The following is an entry in ClinVar:

NM_001013838.3(CARMIL2):c.2082+4G>C

Gene: CARMIL2 (capping protein regulator and myosin 1 linker 2; plus strand). Cytogenetic location: 16q22.1.
Variant type: single nucleotide variant.
Coding change: c.2082+4G>C on transcript NM_001013838.3 (MANE Select); 4 bases into the intron after coding-DNA position 2082, G replaced by C.
Molecular consequence: intron variant.
Genome position (GRCh38, 1-based): chr16:67,649,972, G>C. VCF-style: chr16-67649972-G-C. GRCh37 (hg19) VCF-style: chr16-67683875-G-C.
Other names: c.1974+4G>C (NM_001317026.3).
Identifiers: ClinVar variation 2060276 (VCV002060276.1), dbSNP rs777251340, ClinGen allele CA283207357.

ClinVar aggregate classification (germline): Uncertain significance (1 of 4 stars; one submission).

Allele frequency attached by ClinVar (database versions not stated): TOPMed below 0.00001; gnomAD exomes 0.00001.
gnomAD v4.1: 5 of 1,613,368 alleles (0.00031%); highest among the groups gnomAD compares: Non-Finnish European, 0.00042%; no homozygotes.

Submission:

Labcorp Genetics (formerly Invitae), Labcorp
Classification: Uncertain significance. Last evaluated: 2022-03-18. Review status: criteria provided, single submitter. Criteria: Invitae Variant Classification Sherloc (09022015). Collection method: clinical testing. Allele origin: germline.
Comment: This sequence change falls in intron 21 of the CARMIL2 gene. It does not directly change the encoded amino acid sequence of the CARMIL2 protein. It affects a nucleotide within the consensus splice site. This variant is present in population databases (no rsID available, gnomAD 0.0009%). This variant has not been reported in the literature in individuals affected with CARMIL2-related conditions. Variants that disrupt the consensus splice site are a relatively common cause of aberrant splicing (PMID: 17576681, 9536098). Algorithms developed to predict the effect of sequence changes on RNA splicing suggest that this variant is not likely to affect RNA splicing. In summary, the available evidence is currently insufficient to determine the role of this variant in disease. Therefore, it has been classified as a Variant of Uncertain Significance.

Literature cited by the submitters: PubMed 17576681; PubMed 9536098.